The following is an entry in ClinVar:

NM_019066.5(MAGEL2):c.454C>T (p.Pro152Ser)

Gene: MAGEL2 (MAGE family member L2; minus strand). Cytogenetic location: 15q11.2.
Variant type: single nucleotide variant.
Coding change: c.454C>T on transcript NM_019066.5 (MANE Select); coding-DNA position 454, C replaced by T.
Protein change: p.Pro152Ser; replaces proline 152 with serine.
Molecular consequence: missense variant.
Genome position (GRCh38, 1-based): chr15:23,647,289, G>A on the plus strand (C>T on the coding strand, the complement: MAGEL2 is on the minus strand). VCF-style: chr15-23647289-G-A. GRCh37 (hg19) VCF-style: chr15-23892436-G-A.
Other names: short protein forms P152S.
Identifiers: ClinVar variation 3355093 (VCV003355093.2).

ClinVar aggregate classification (germline): Uncertain significance (1 of 4 stars; one submission).

Conditions:
MAGEL2-related disorder. Also called: MAGEL2-related condition.

Submission:

PreventionGenetics, part of Exact Sciences
Classification: Uncertain significance for MAGEL2-related condition. Last evaluated: 2025-06-19. Review status: criteria provided, single submitter. Criteria: ACMG Guidelines, 2015. Collection method: clinical testing. Allele origin: germline.
Comment: The MAGEL2 c.454C>T variant is predicted to result in the amino acid substitution p.Pro152Ser. To our knowledge, this variant has not been reported in the literature. This variant is reported in 0.0017% of alleles in individuals of European (Non-Finnish) descent in gnomAD. At this time, the clinical significance of this variant is uncertain due to the absence of conclusive functional and genetic evidence.